The following is an entry in ClinVar:

ClinVar aggregate classification (germline): Benign/Likely benign. Review status: criteria provided, multiple submitters, no conflicts (2 of 4 stars). 4 submissions from 4 submitters: Benign (1); Likely benign (2). 1 of the submissions does not count toward it. Last evaluated 2026-01-26.

Conditions:
DLL1-related disorder. Also called: DLL1-related condition.

Allele frequency attached by ClinVar (database versions not stated): 1000 Genomes Project 0.00938; ESP Exome Variant Server 0.00915; gnomAD 0.00850; TOPMed 0.00905; 1000 Genomes Project 30x 0.01093.
gnomAD v4.1: 2,435 of 1,614,088 alleles (0.15%); highest among the groups gnomAD compares: African/African-American, 2.9%; 31 homozygotes.

Submissions (4):

Labcorp Genetics (formerly Invitae), Labcorp
Classification: Benign. Last evaluated: 2026-01-26. Review status: criteria provided, single submitter. Criteria: Invitae Variant Classification Sherloc (09022015). Collection method: clinical testing. Allele origin: germline.

GeneDx
Classification: Likely benign. Last evaluated: 2021-02-23. Review status: criteria provided, single submitter. Criteria: GeneDx Variant Classification Process June 2021. Collection method: clinical testing. Allele origin: germline. Affected: yes.

Breakthrough Genomics
Classification: Likely benign. Review status: criteria provided, single submitter. Criteria: ACMG Guidelines, 2015. Collection method: not provided. Allele origin: germline. Inheritance: Autosomal dominant inheritance. Affected: yes.

PreventionGenetics, part of Exact Sciences
Classification: Benign for DLL1-related condition. Last evaluated: 2019-04-09. Review status: no assertion criteria provided. Collection method: clinical testing. Allele origin: germline. Not counted in ClinVar's aggregate classification.
Comment: This variant is classified as benign based on ACMG/AMP sequence variant interpretation guidelines (Richards et al. 2015 PMID: 25741868, with internal and published modifications).

NM_005618.4(DLL1):c.2076G>A (p.Pro692=)

Genes: DLL1 (delta like canonical Notch ligand 1; minus strand), LOC126859913 (P300/CBP strongly-dependent group 1 enhancer GRCh37_chr6:170591232-170592431; plus strand). Cytogenetic location: 6q27.
Variant type: single nucleotide variant.
Coding change: c.2076G>A on transcript NM_005618.4 (MANE Select); coding-DNA position 2076, G replaced by A.
Protein change: p.Pro692=; no amino-acid change (proline 692 retained).
Molecular consequence: synonymous variant.
Genome position (GRCh38, 1-based): chr6:170,283,078, C>T on the plus strand (G>A on the coding strand, the complement: DLL1 is on the minus strand). VCF-style: chr6-170283078-C-T. GRCh37 (hg19) VCF-style: chr6-170592166-C-T.
Identifiers: ClinVar variation 712643 (VCV000712643.14), dbSNP rs75652420, ClinGen allele CA4106619.